The following is an entry in ClinVar:

ClinVar aggregate classification (germline): Pathogenic (1 of 4 stars; one submission).

Conditions:
EPILEPSY, CHILDHOOD ABSENCE, SUSCEPTIBILITY TO, 2 (ECA2). Identifiers: Orphanet 64280, MedGen C1843244, OMIM 607681.
Febrile seizures, familial, 8 (FEB8). Also called: CONVULSIONS, FAMILIAL FEBRILE, 8. Identifiers: Orphanet 36387, MedGen C1969810, MONDO:0011891, OMIM 607681.

Submission:

Labcorp Genetics (formerly Invitae), Labcorp
Classification: Pathogenic for Febrile seizures, familial, 8; EPILEPSY, CHILDHOOD ABSENCE, SUSCEPTIBILITY TO, 2. Last evaluated: 2024-03-18. Review status: criteria provided, single submitter. Criteria: Invitae Variant Classification Sherloc (09022015). Collection method: clinical testing. Allele origin: germline.
Comment: This sequence change creates a premature translational stop signal (p.Arg233Aspfs*13) in the GABRG2 gene. It is expected to result in an absent or disrupted protein product. Loss-of-function variants in GABRG2 are known to be pathogenic (PMID: 22539854, 22750526, 24407264). This variant is not present in population databases (gnomAD no frequency). This variant has not been reported in the literature in individuals affected with GABRG2-related conditions. ClinVar contains an entry for this variant (Variation ID: 953695). For these reasons, this variant has been classified as Pathogenic.

Literature cited by the submitters: PubMed 22539854; PubMed 22750526; PubMed 24407264.

NM_198904.4(GABRG2):c.697del (p.Arg233fs)

Gene: GABRG2 (gamma-aminobutyric acid type A receptor subunit gamma2; plus strand). Cytogenetic location: 5q34.
Variant type: Deletion.
Coding change: c.697del on transcript NM_198904.4 (MANE Select); coding-DNA position 697, one base deleted (A; older notation c.697delA).
Protein change: p.Arg233fs; shifts the reading frame from arginine 233.
Molecular consequence: frameshift variant.
Genome position (GRCh38, 1-based): chr5:162,103,954, A deleted; the last of 2 consecutive A bases (chr5:162,103,953-162,103,954); deleting either gives the same sequence. VCF-style (leftmost placement, unchanged base first): chr5-162103952-CA-C. GRCh37 (hg19) VCF-style: chr5-161530958-CA-C.
Other names: c.697del, p.Arg233fs (NM_000816.3, NM_001375340.1, NM_001375341.1 and 2 more transcripts); c.688del, p.Arg230fs (NM_001375339.1); c.817del, p.Arg273fs (NM_001375343.1, NM_198903.2); c.631del, p.Arg211fs (NM_001375345.1, NM_001375346.1); c.610del, p.Arg204fs (NM_001375347.1); c.277del, p.Arg93fs (NM_001375348.1, NM_001375350.1); c.412del, p.Arg138fs (NM_001375349.1); short protein forms R138fs, R230fs, R211fs, R204fs, R233fs, R273fs, R93fs.
Identifiers: ClinVar variation 953695 (VCV000953695.8), dbSNP rs1761620237, ClinGen allele CA1139659244.